The following is an entry in ClinVar:

NM_004727.3(SLC24A1):c.1412T>G (p.Ile471Ser)

Gene: SLC24A1 (solute carrier family 24 member 1; plus strand). Cytogenetic location: 15q22.31.
Variant type: single nucleotide variant.
Coding change: c.1412T>G on transcript NM_004727.3 (MANE Select); coding-DNA position 1412, T replaced by G.
Protein change: p.Ile471Ser; replaces isoleucine 471 with serine.
Molecular consequence: missense variant.
Genome position (GRCh38, 1-based): chr15:65,625,492, T>G. VCF-style: chr15-65625492-T-G. GRCh37 (hg19) VCF-style: chr15-65917830-T-G.
Other names: c.1412T>G, p.Ile471Ser (NM_001301031.1, NM_001301032.1, NM_001301033.2); short protein forms I471S.
Identifiers: ClinVar variation 941114 (VCV000941114.8), dbSNP rs181068344, ClinGen allele CA7619899.

ClinVar aggregate classification (germline): Uncertain significance. Review status: criteria provided, multiple submitters, no conflicts (2 of 4 stars). 3 submissions from 3 submitters: Uncertain significance (3). Last evaluated 2024-12-31.

Conditions:
Inborn genetic diseases. Identifiers: MedGen C0950123, MeSH D030342.

Allele frequency attached by ClinVar (database versions not stated): 1000 Genomes Project 30x 0.00016; 1000 Genomes Project 0.00020.
gnomAD v4.1: 18 of 1,614,032 alleles (0.0011%); highest among the groups gnomAD compares: Middle Eastern, 0.033%; no homozygotes.

Submissions (3):

Ambry Genetics
Classification: Uncertain significance for Inborn genetic diseases. Last evaluated: 2024-12-31. Review status: criteria provided, single submitter. Criteria: Ambry Variant Classification Scheme 2023. Collection method: clinical testing. Allele origin: germline.

Blueprint Genetics
Classification: Uncertain significance. Last evaluated: 2024-09-09. Review status: criteria provided, single submitter. Criteria: ACMG Guidelines, 2015. Collection method: clinical testing. Allele origin: germline.

Labcorp Genetics (formerly Invitae), Labcorp
Classification: Uncertain significance. Last evaluated: 2021-11-30. Review status: criteria provided, single submitter. Criteria: Invitae Variant Classification Sherloc (09022015). Collection method: clinical testing. Allele origin: germline.
Comment: In summary, the available evidence is currently insufficient to determine the role of this variant in disease. Therefore, it has been classified as a Variant of Uncertain Significance. Algorithms developed to predict the effect of sequence changes on RNA splicing suggest that this variant may create or strengthen a splice site. Algorithms developed to predict the effect of missense changes on protein structure and function (SIFT, PolyPhen-2, Align-GVGD) all suggest that this variant is likely to be disruptive. ClinVar contains an entry for this variant (Variation ID: 941114). This variant has not been reported in the literature in individuals affected with SLC24A1-related conditions. This variant is present in population databases (rs181068344, gnomAD 0.007%). This sequence change replaces isoleucine, which is neutral and non-polar, with serine, which is neutral and polar, at codon 471 of the SLC24A1 protein (p.Ile471Ser).